The following is an entry in ClinVar:

NM_015215.4(CAMTA1):c.2559G>A (p.Ser853=)

Gene: CAMTA1 (calmodulin binding transcription activator 1; plus strand). Cytogenetic location: 1p36.23.
Variant type: single nucleotide variant.
Coding change: c.2559G>A on transcript NM_015215.4 (MANE Select); coding-DNA position 2559, G replaced by A.
Protein change: p.Ser853=; no amino-acid change (serine 853 retained).
Molecular consequence: synonymous variant.
Genome position (GRCh38, 1-based): chr1:7,665,106, G>A. VCF-style: chr1-7665106-G-A. GRCh37 (hg19) VCF-style: chr1-7725166-G-A.
Other names: c.2469G>A, p.Ser823= (NM_001349608.2, NM_001349612.2); c.2559G>A, p.Ser853= (NM_001349609.2, NM_001349610.2, NM_001410737.1); c.2487G>A, p.Ser829= (NM_001410738.1).
Identifiers: ClinVar variation 1694486 (VCV001694486.34), dbSNP rs370492903, ClinGen allele CA566667.

ClinVar aggregate classification (germline): Likely benign. Review status: criteria provided, multiple submitters, no conflicts (2 of 4 stars). 2 submissions from 2 submitters: Likely benign (2). Last evaluated 2025-03-17.

Allele frequency attached by ClinVar (database versions not stated): ExAC 0.00004; gnomAD exomes 0.00005; gnomAD 0.00006; TOPMed 0.00007; ESP Exome Variant Server 0.00023.
gnomAD v4.1: 100 of 1,531,216 alleles (0.0065%); highest among the groups gnomAD compares: Middle Eastern, 0.018%; no homozygotes.

Submissions (2):

Labcorp Genetics (formerly Invitae), Labcorp
Classification: Likely benign. Last evaluated: 2025-03-17. Review status: criteria provided, single submitter. Criteria: Invitae Variant Classification Sherloc (09022015). Collection method: clinical testing. Allele origin: germline.

CeGaT Center for Human Genetics Tuebingen
Classification: Likely benign. Last evaluated: 2022-05-01. Review status: criteria provided, single submitter. Criteria: CeGaT Center For Human Genetics Tuebingen Variant Classification Criteria Version 2. Collection method: clinical testing. Allele origin: germline. Affected: yes. Observed: 1 variant allele.
Comment: CAMTA1: BP4, BP7